The following is an entry in ClinVar:

NM_152743.4(BRAT1):c.826G>A (p.Asp276Asn)

Gene: BRAT1 (BRCA1 associated ATM activator 1; minus strand). Cytogenetic location: 7p22.3.
Variant type: single nucleotide variant.
Coding change: c.826G>A on transcript NM_152743.4 (MANE Select); coding-DNA position 826, G replaced by A.
Protein change: p.Asp276Asn; replaces aspartic acid 276 with asparagine.
Molecular consequence: missense variant. On other transcripts: non-coding transcript variant (1).
Genome position (GRCh38, 1-based): chr7:2,543,301, C>T on the plus strand (G>A on the coding strand, the complement: BRAT1 is on the minus strand). VCF-style: chr7-2543301-C-T. GRCh37 (hg19) VCF-style: chr7-2582935-C-T.
Other names: c.826G>A, p.Asp276Asn (NM_001350626.2); c.301G>A, p.Asp101Asn (NM_001350627.2); short protein forms D276N, D101N.
Identifiers: ClinVar variation 472981 (VCV000472981.22), dbSNP rs146546197, ClinGen allele CA4128041.

ClinVar aggregate classification (germline): Conflicting classifications of pathogenicity. Review status: criteria provided, conflicting classifications (1 of 4 stars). 6 submissions from 6 submitters: Uncertain significance (3); Likely benign (2). 1 of the submissions does not count toward it. Last evaluated 2026-01-31.

Conditions:
Inborn genetic diseases. Identifiers: MedGen C0950123, MeSH D030342.
Neonatal-onset encephalopathy with rigidity and seizures. Also called: Lethal neonatal spasticity-epileptic encephalopathy syndrome. Identifiers: Orphanet 435845, MedGen C3281029, MONDO:0013784, OMIM 614498.
BRAT1-related disorder. Also called: BRAT1-related disorders; BRAT1-related condition.

Allele frequency attached by ClinVar (database versions not stated): gnomAD exomes 0.00012 and 0.00028; ExAC 0.00026; 1000 Genomes Project 30x 0.00062; gnomAD 0.00069 and 0.00070; TOPMed 0.00078; 1000 Genomes Project 0.00080; ESP Exome Variant Server 0.00123.
gnomAD v4.1: 290 of 1,607,748 alleles (0.018%); highest among the groups gnomAD compares: African/African-American, 0.22%; no homozygotes.

Submissions (6):

Labcorp Genetics (formerly Invitae), Labcorp
Classification: Likely benign for Neonatal-onset encephalopathy with rigidity and seizures. Last evaluated: 2026-01-31. Review status: criteria provided, single submitter. Criteria: Invitae Variant Classification Sherloc (09022015). Collection method: clinical testing. Allele origin: germline.

Blueprint Genetics
Classification: Uncertain significance. Last evaluated: 2024-08-06. Review status: criteria provided, single submitter. Criteria: ACMG Guidelines, 2015. Collection method: clinical testing. Allele origin: germline.

GeneDx
Classification: Uncertain significance. Last evaluated: 2024-01-02. Review status: criteria provided, single submitter. Criteria: GeneDx Variant Classification Process June 2021. Collection method: clinical testing. Allele origin: germline. Affected: yes.
Comment: Observed in individual with ataxia, spastic paraparesis, leukodystrophy and cognitive decline who also harbored a second BRAT1 variant in the compound heterozygous state; however, this individual also harbored a homozygous variant in the PEX16 gene which was considered by the authors to be disease causative (Bacino et. al., 2016).; In silico analysis supports that this missense variant does not alter protein structure/function; This variant is associated with the following publications: (PMID: 26870756)

Ambry Genetics
Classification: Likely benign for Inborn genetic diseases. Last evaluated: 2021-06-18. Review status: criteria provided, single submitter. Criteria: Ambry Variant Classification Scheme 2023. Collection method: clinical testing. Allele origin: germline.

Victorian Clinical Genetics Services, Murdoch Childrens Research Institute
Classification: Uncertain significance for Neonatal-onset encephalopathy with rigidity and seizures. Last evaluated: 2020-10-19. Review status: criteria provided, single submitter. Criteria: ACMG Guidelines, 2015. Collection method: clinical testing. Allele origin: germline. Inheritance: Autosomal recessive inheritance.
Comment: Based on the classification scheme VCGS_Germline_v1.1.1, this variant is classified as VUS - 3C. Following criteria are met: 0102 - Loss-of-function is a known mechanism of disease for this gene. (N) 0106 - This gene is known to be associated with autosomal recessive disease. (N) 0200 - Variant is predicted to result in a missense amino acid change from aspartic acid to asparagine (exon 6). (N) 0251 - Variant is heterozygous. (N) 0304 - Variant is present in gnomAD v3 <0.01 for a recessive condition (98 heterozygotes, 0 homozygotes). (P) 0504 - Same amino acid change has been observed in mammals. (B) 0604 - Variant is not located in an established domain, motif, hotspot or informative constraint region. (N) 0705 - No comparable variants have previous evidence for pathogenicity. (N) 0806 - Moderate previous evidence of neutrality in unrelated individuals. This variant has been reported once a likely benign (ClinVar). This variant was also observed in a patient with atypical peroxisomal biogenesis disorder, but an alternative diagnosis in PEX6 was found (PMID: 26870756). (B) 0905 - No segregation evidence has been identified for this variant. (N) 1007 - No published functional evidence has been identified for this variant. (N) 1208 - Inheritance information for this variant is not currently available. (N) Legend: (P) - Pathogenic, (N) - Neutral, (B) - Benign

PreventionGenetics, part of Exact Sciences
Classification: Likely benign for BRAT1-related condition. Last evaluated: 2022-07-06. Review status: no assertion criteria provided. Collection method: clinical testing. Allele origin: germline. Not counted in ClinVar's aggregate classification.
Comment: This variant is classified as likely benign based on ACMG/AMP sequence variant interpretation guidelines (Richards et al. 2015 PMID: 25741868, with internal and published modifications).

Literature cited by the submitters: PubMed 26870756 (cited by Victorian Clinical Genetics Services, Murdoch Childrens Research Institute).